The following is an entry in ClinVar:

ClinVar aggregate classification (germline): Pathogenic/Likely pathogenic. Review status: criteria provided, multiple submitters, no conflicts (2 of 4 stars). 5 submissions from 5 submitters: Pathogenic (1); Likely pathogenic (4). Last evaluated 2025-08-12.

Conditions:
Medium-chain acyl-coenzyme A dehydrogenase deficiency (ACADMD). Also called: MCADD; ACADM DEFICIENCY; CARNITINE DEFICIENCY SECONDARY TO MEDIUM-CHAIN ACYL-CoA DEHYDROGENASE DEFICIENCY; MCADH DEFICIENCY; Medium chain acyl-CoA dehydrogenase deficiency; MCAD Deficiency. Identifiers: Orphanet 42, MedGen C0220710, MONDO:0008721, OMIM 201450.

Allele frequency attached by ClinVar (database versions not stated): TOPMed below 0.00001; gnomAD 0.00001; ExAC 0.00002; gnomAD exomes 0.00002.

Submissions (5):

Natera, Inc.
Classification: Likely pathogenic for Medium Chain Acyl-CoA Dehydrogenase Deficiency. Last evaluated: 2025-08-12. Review status: criteria provided, single submitter. Criteria: Natera Variant Classification Schema (03/2026). Collection method: clinical testing. Allele origin: germline.
Comment: The c.601delT variant in ACADM is a frameshift variant predicted to shift the reading frame beginning at codon 201 and leads to a stop codon 38 codons downstream. This variant is expected to result in nonsense mediated decay, truncation, or a dysfunctional protein product. This variant is rare in the general population with a frequency below the threshold expected for the associated phenotype(s). Given the available evidence, this variant is classified as Likely Pathogenic.

Baylor Genetics
Classification: Likely pathogenic for Medium-chain acyl-coenzyme A dehydrogenase deficiency. Last evaluated: 2024-03-17. Review status: criteria provided, single submitter. Criteria: ACMG Guidelines, 2015. Collection method: clinical testing. Allele origin: unknown.

Labcorp Genetics (formerly Invitae), Labcorp
Classification: Pathogenic for Medium-chain acyl-coenzyme A dehydrogenase deficiency. Last evaluated: 2023-04-07. Review status: criteria provided, single submitter. Criteria: Invitae Variant Classification Sherloc (09022015). Collection method: clinical testing. Allele origin: germline.
Comment: For these reasons, this variant has been classified as Pathogenic. ClinVar contains an entry for this variant (Variation ID: 960879). This variant has not been reported in the literature in individuals affected with ACADM-related conditions. This variant is present in population databases (rs772650083, gnomAD 0.02%). This sequence change creates a premature translational stop signal (p.Tyr201Ilefs*38) in the ACADM gene. It is expected to result in an absent or disrupted protein product. Loss-of-function variants in ACADM are known to be pathogenic (PMID: 16121256, 20434380).

Revvity Omics, Revvity
Classification: Likely pathogenic for Medium-chain acyl-coenzyme A dehydrogenase deficiency. Last evaluated: 2023-02-17. Review status: criteria provided, single submitter. Criteria: ACMG Guidelines, 2015. Collection method: clinical testing. Allele origin: germline.

Fulgent Genetics
Classification: Likely pathogenic for Medium-chain acyl-coenzyme A dehydrogenase deficiency. Last evaluated: 2022-03-20. Review status: criteria provided, single submitter. Criteria: ACMG Guidelines, 2015. Collection method: clinical testing. Allele origin: unknown.

Literature cited by the submitters: PubMed 16121256 (cited by Labcorp Genetics (formerly Invitae), Labcorp); PubMed 20434380 (cited by Labcorp Genetics (formerly Invitae), Labcorp).

NM_000016.6(ACADM):c.601del (p.Tyr201fs)

Gene: ACADM (acyl-CoA dehydrogenase medium chain; plus strand). Cytogenetic location: 1p31.1.
Variant type: Deletion.
Coding change: c.601del on transcript NM_000016.6 (MANE Select); coding-DNA position 601, one base deleted (T; older notation c.601delT).
Protein change: p.Tyr201fs; shifts the reading frame from tyrosine 201.
Molecular consequence: frameshift variant.
Genome position (GRCh38, 1-based): chr1:75,745,807, T deleted. VCF-style (leftmost placement, unchanged base first): chr1-75745806-GT-G. GRCh37 (hg19) VCF-style: chr1-76211491-GT-G.
Other names: c.613del, p.Tyr205fs (NM_001127328.3); c.493del, p.Tyr165fs (NM_001286042.2); c.700del, p.Tyr234fs (NM_001286043.2); c.34del, p.Tyr12fs (NM_001286044.2); c.601delT (NM_000016.5); short protein forms Y205fs, Y234fs, Y12fs, Y165fs, Y201fs.
Identifiers: ClinVar variation 960879 (VCV000960879.13), dbSNP rs772650083, ClinGen allele CA913159.
Genomic context (GRCh38, chr1:75,745,806, plus strand): 5'-GCAATCACCATGTGTTATTTGCCGATATTATCACCATTATCCGGTATGTGTATCTCTTAG[GT>G]ATTTTTTATTGGCACGTTCTGATCCAGATCCTAAAGCTCCTGCTAATAAAGCCTTTACTG-3'